The following is an entry in ClinVar:

NM_000543.5(SMPD1):c.1227G>T (p.Val409=)

Gene: SMPD1 (sphingomyelin phosphodiesterase 1; plus strand). Cytogenetic location: 11p15.4.
Variant type: single nucleotide variant.
Coding change: c.1227G>T on transcript NM_000543.5 (MANE Select); coding-DNA position 1227, G replaced by T.
Protein change: p.Val409=; no amino-acid change (valine 409 retained).
Molecular consequence: synonymous variant. On other transcripts: non-coding transcript variant (1), intron variant (1).
Genome position (GRCh38, 1-based): chr11:6,393,351, G>T. VCF-style: chr11-6393351-G-T. GRCh37 (hg19) VCF-style: chr11-6414581-G-T.
Other names: c.1224G>T, p.Val408= (NM_001007593.3); c.1227G>T, p.Val409= (NM_001318087.2); c.306G>T, p.Val102= (NM_001318088.2); c.1132-266G>T (NM_001365135.2); c.1227G>T (NM_000543.4).
Identifiers: ClinVar variation 1579863 (VCV001579863.10), dbSNP rs768283171, ClinGen allele CA217301753.

ClinVar aggregate classification (germline): Likely benign. Review status: criteria provided, single submitter (1 of 4 stars). 2 submissions from 2 submitters: Likely benign (1). 1 of the submissions does not count toward it. Last evaluated 2023-08-04.

Conditions:
SMPD1-related disorder. Also called: SMPD1-related condition.
Niemann-Pick disease, type A. Also called: SPHINGOMYELIN LIPIDOSIS; SPHINGOMYELINASE DEFICIENCY; Infantile Neurovisceral ASMD (Niemann-Pick Disease Type A; NPD-A). Identifiers: Orphanet 77292, MedGen C0268242, MONDO:0009756, OMIM 257200. Disease mechanism: loss of function.
Niemann-Pick disease, type B. Also called: Chronic Visceral ASMD (Niemann-Pick Disease Type B; NPD-B). Identifiers: Orphanet 77293, MedGen C0268243, MONDO:0011871, OMIM 607616. Disease mechanism: loss of function.

Submissions (2):

Labcorp Genetics (formerly Invitae), Labcorp
Classification: Likely benign for Niemann-Pick disease, type B; Niemann-Pick disease, type A. Last evaluated: 2023-08-04. Review status: criteria provided, single submitter. Criteria: Invitae Variant Classification Sherloc (09022015). Collection method: clinical testing. Allele origin: germline.

PreventionGenetics, part of Exact Sciences
Classification: Likely benign for SMPD1-related condition. Last evaluated: 2024-02-09. Review status: no assertion criteria provided. Collection method: clinical testing. Allele origin: germline. Not counted in ClinVar's aggregate classification.
Comment: This variant is classified as likely benign based on ACMG/AMP sequence variant interpretation guidelines (Richards et al. 2015 PMID: 25741868, with internal and published modifications).